The following is an entry in ClinVar:

NM_000130.5(F5):c.5464G>T (p.Glu1822Ter)

Gene: F5 (coagulation factor V; minus strand). Cytogenetic location: 1q24.2.
Variant type: single nucleotide variant.
Coding change: c.5464G>T on transcript NM_000130.5 (MANE Select); coding-DNA position 5464, G replaced by T.
Protein change: p.Glu1822Ter; replaces glutamic acid 1822 with a stop codon.
Molecular consequence: nonsense.
Genome position (GRCh38, 1-based): chr1:169,528,050, C>A on the plus strand (G>T on the coding strand, the complement: F5 is on the minus strand). VCF-style: chr1-169528050-C-A. GRCh37 (hg19) VCF-style: chr1-169497288-C-A.
Other names: short protein forms E1822*.
Identifiers: ClinVar variation 4884310 (VCV004884310.1).
Genomic context (GRCh38, chr1:169,528,050, plus strand): 5'-CCACGTGAATGTCTTGGGAGCCGCCTATGTTCAGCAGGTGTAACCTCACCCACTCTTGCT[C>A]ATACATTTTCAGGCCAGGCAAGCTGTAGATCATCCCATTAATGGCTGAAAGGACAAAGAG-3'

ClinVar aggregate classification (germline): Pathogenic (1 of 4 stars; one submission).

Conditions:
Factor V deficiency. Also called: Reduced coagulation factor V activity. Identifiers: Orphanet 326, MedGen C4317320, MONDO:0020586, HP:0003225.

Submission:

North West Genomic Laboratory Hub, Manchester University NHS Foundation Trust
Classification: Pathogenic for Factor V deficiency. Last evaluated: 2025-06-13. Review status: criteria provided, single submitter. Criteria: ACGS Best Practice Guidelines for Variant Classification in Rare Disease 2024. Collection method: clinical testing. Allele origin: germline. Affected: yes.
Comment: PP4_Mod PM2_Mod PVS1_VStr